The following is an entry in ClinVar:

ClinVar aggregate classification (germline): Uncertain significance (1 of 4 stars; one submission).

Submission:

Labcorp Genetics (formerly Invitae), Labcorp
Classification: Uncertain significance. Last evaluated: 2024-06-11. Review status: criteria provided, single submitter. Criteria: Invitae Variant Classification Sherloc (09022015). Collection method: clinical testing. Allele origin: germline.
Comment: This sequence change replaces cysteine, which is neutral and slightly polar, with tyrosine, which is neutral and polar, at codon 214 of the LZTR1 protein (p.Cys214Tyr). This variant is not present in population databases (gnomAD no frequency). This variant has not been reported in the literature in individuals affected with LZTR1-related conditions. ClinVar contains an entry for this variant (Variation ID: 1907615). Advanced modeling of protein sequence and biophysical properties (such as structural, functional, and spatial information, amino acid conservation, physicochemical variation, residue mobility, and thermodynamic stability) performed at Invitae indicates that this missense variant is not expected to disrupt LZTR1 protein function with a negative predictive value of 80%. In summary, the available evidence is currently insufficient to determine the role of this variant in disease. Therefore, it has been classified as a Variant of Uncertain Significance.

NM_006767.4(LZTR1):c.641G>A (p.Cys214Tyr)

Gene: LZTR1 (leucine zipper like post translational regulator 1; plus strand). Cytogenetic location: 22q11.21.
Variant type: single nucleotide variant.
Coding change: c.641G>A on transcript NM_006767.4 (MANE Select); coding-DNA position 641, G replaced by A.
Protein change: p.Cys214Tyr; replaces cysteine 214 with tyrosine.
Molecular consequence: missense variant.
Genome position (GRCh38, 1-based): chr22:20,989,672, G>A. VCF-style: chr22-20989672-G-A. GRCh37 (hg19) VCF-style: chr22-21343961-G-A.
Other names: short protein forms C214Y.
Identifiers: ClinVar variation 1907615 (VCV001907615.5), dbSNP rs2518614955, ClinGen allele CA410780369.
Genomic context (GRCh38, chr22:20,989,672, plus strand): 5'-TGTCCTAATACAGGTTGAATGACATGTGGACAATTGGCCTCCAGGACCGAGAGCTCACCT[G>A]CTGGGAGGAGGTGAGGGGCGTGGGGAGCCAGGGCGCAGGTAGAGGAGGTGAGGGGCACGG-3'
Protein context (NP_006758.2, residues 204-224): TIGLQDRELT[Cys214Tyr]WEEVAQSGEI